The following is an entry in ClinVar:

NM_000360.4(TH):c.44G>T (p.Arg15Leu)

Gene: TH (tyrosine hydroxylase; minus strand). Cytogenetic location: 11p15.5.
Variant type: single nucleotide variant.
Coding change: c.44G>T on transcript NM_000360.4 (MANE Select); coding-DNA position 44, G replaced by T.
Protein change: p.Arg15Leu; replaces arginine 15 with leucine.
Molecular consequence: missense variant.
Genome position (GRCh38, 1-based): chr11:2,171,743, C>A on the plus strand (G>T on the coding strand, the complement: TH is on the minus strand). VCF-style: chr11-2171743-C-A. GRCh37 (hg19) VCF-style: chr11-2192973-C-A.
Other names: c.44G>T, p.Arg15Leu (NM_199292.3, NM_199293.3); short protein forms R15L.
Identifiers: ClinVar variation 1708985 (VCV001708985.4), dbSNP rs199648386, ClinGen allele CA5818881.

ClinVar aggregate classification (germline): Uncertain significance. Review status: criteria provided, multiple submitters, no conflicts (2 of 4 stars). 2 submissions from 2 submitters: Uncertain significance (2). Last evaluated 2022-09-01.

Conditions:
TH-deficient dopa-responsive dystonia. Also called: Segawa syndrome, autosomal recessive; DYT-TH; Tyrosine Hydroxylase-Deficient Dopa-Responsive Dystonia. Identifiers: Orphanet 101150, MedGen C2673535, MONDO:0011551, OMIM 605407.

Allele frequency attached by ClinVar (database versions not stated): 1000 Genomes Project 30x 0.00016; 1000 Genomes Project 0.00020.

Submissions (2):

Labcorp Genetics (formerly Invitae), Labcorp
Classification: Uncertain significance for TH-deficient dopa-responsive dystonia. Last evaluated: 2022-09-01. Review status: criteria provided, single submitter. Criteria: Invitae Variant Classification Sherloc (09022015). Collection method: clinical testing. Allele origin: germline.
Comment: This sequence change replaces arginine, which is basic and polar, with leucine, which is neutral and non-polar, at codon 15 of the TH protein (p.Arg15Leu). This variant is present in population databases (rs199648386, gnomAD 0.006%). This variant has not been reported in the literature in individuals affected with TH-related conditions. Algorithms developed to predict the effect of missense changes on protein structure and function are either unavailable or do not agree on the potential impact of this missense change (SIFT: "Deleterious"; PolyPhen-2: "Probably Damaging"; Align-GVGD: "Class C0"). In summary, the available evidence is currently insufficient to determine the role of this variant in disease. Therefore, it has been classified as a Variant of Uncertain Significance.

MGZ Medical Genetics Center
Classification: Uncertain significance for TH-deficient dopa-responsive dystonia. Last evaluated: 2022-01-20. Review status: criteria provided, single submitter. Criteria: ACMG Guidelines, 2015. Collection method: clinical testing. Allele origin: germline. Affected: yes. Observed: 1 variant allele.
Comment: ACMG criteria applied: PM2_SUP, PP3